The following is an entry in ClinVar:

ClinVar aggregate classification (germline): Uncertain significance (1 of 4 stars; one submission).

Conditions:
Malignant hyperthermia, susceptibility to, 1 (MHS1). Also called: Anesthesia related hyperthermia; Malignant hyperpyrexia; Fulminating hyperpyrexia; Pharmacogenic myopathy; Malignant hyperthermia suceptibility 1; RYR1-Related Malignant Hyperthermia Susceptibility. Identifiers: Orphanet 423, MedGen C2930980, MONDO:0007783, OMIM 145600.

Submission:

All of Us Research Program, National Institutes of Health
Classification: Uncertain significance for Malignant hyperthermia, susceptibility to, 1. Last evaluated: 2024-07-20. Review status: criteria provided, single submitter. Criteria: ACMG Guidelines, 2015. Collection method: clinical testing. Allele origin: germline. Inheritance: Autosomal dominant inheritance. Observed: 1 variant allele, 1 heterozygote.
Comment: This variant changes 1 nucleotide in exon 39 of the RYR1 gene, creating a premature translation stop signal. This variant is expected to result in an absent or non-functional protein product. To our knowledge, this variant has not been reported in individuals affected with RYR1-related disorders in the literature. This variant has not been identified in the general population by the Genome Aggregation Database (gnomAD). Loss of RYR1 function due to truncating variants is not an established disease mechanism for autosomal dominant malignant hyperthermia, although it is associated with other phenotype(s). Therefore, this variant is classified as a Variant of Uncertain Significance for autosomal dominant malignant hyperthermia.

This study involves interpretation of variants in research participants for the purpose of population health screening. Participant phenotype was not available at the time of variant classification. Additional details can be found in publication PMID: 35346344, PMCID: PMC8962531

NM_000540.3(RYR1):c.6481C>T (p.Gln2161Ter)

Gene: RYR1 (ryanodine receptor 1; plus strand). Cytogenetic location: 19q13.2.
Variant type: single nucleotide variant.
Coding change: c.6481C>T on transcript NM_000540.3 (MANE Select); coding-DNA position 6481, C replaced by T.
Protein change: p.Gln2161Ter; replaces glutamine 2161 with a stop codon.
Molecular consequence: nonsense.
Genome position (GRCh38, 1-based): chr19:38,494,558, C>T. VCF-style: chr19-38494558-C-T. GRCh37 (hg19) VCF-style: chr19-38985198-C-T.
Other names: c.6481C>T, p.Gln2161Ter (NM_001042723.2); short protein forms Q2161*.
Identifiers: ClinVar variation 3385427 (VCV003385427.1).